The following is an entry in ClinVar:

ClinVar aggregate classification (germline): Pathogenic (1 of 4 stars; one submission).

Conditions:
Ataxia-telangiectasia syndrome (AT). Also called: ATAXIA-TELANGIECTASIA, FRESNO VARIANT; ATAXIA-TELANGIECTASIA, COMPLEMENTATION GROUP A; Ataxia-telangiectasia, complementation group D; AT, COMPLEMENTATION GROUP C; Ataxia telangiectasia (A-T); LOUIS-BAR SYNDROME. Identifiers: Orphanet 100, MedGen C0004135, MONDO:0008840, OMIM 208900.

Submission:

Labcorp Genetics (formerly Invitae), Labcorp
Classification: Pathogenic for Ataxia-telangiectasia syndrome. Last evaluated: 2021-10-31. Review status: criteria provided, single submitter. Criteria: Invitae Variant Classification Sherloc (09022015). Collection method: clinical testing. Allele origin: germline.
Comment: For these reasons, this variant has been classified as Pathogenic. This variant has not been reported in the literature in individuals affected with ATM-related conditions. This variant is not present in population databases (gnomAD no frequency). This sequence change creates a premature translational stop signal (p.Ser1008*) in the ATM gene. It is expected to result in an absent or disrupted protein product. Loss-of-function variants in ATM are known to be pathogenic (PMID: 23807571, 25614872).

Literature cited by the submitters: PubMed 23807571; PubMed 25614872.

NM_000051.4(ATM):c.3023_3024del (p.Asp1007_Ser1008insTer)

Gene: ATM (ATM serine/threonine kinase; plus strand). Cytogenetic location: 11q22.3.
Variant type: Microsatellite.
Coding change: c.3023_3024del on transcript NM_000051.4 (MANE Select); coding-DNA positions 3023 to 3024, 2 bases deleted (CT; older notation c.3023_3024delCT).
Protein change: p.Asp1007_Ser1008insTer.
Molecular consequence: nonsense.
Genome position (GRCh38, 1-based): chr11:108,271,352-108,271,353, CT deleted; deleting any 2 consecutive bases within chr11:108,271,350-108,271,353 gives the same sequence; the c. name uses the placement nearest the transcript's 3' end. VCF-style (leftmost placement, unchanged base first): chr11-108271349-ACT-A. GRCh37 (hg19) VCF-style: chr11-108142076-ACT-A.
Other names: c.3023_3024del, p.Asp1007_Ser1008insTer (NM_001351834.2).
Identifiers: ClinVar variation 1431654 (VCV001431654.6), dbSNP rs2135553733, ClinGen allele CA645579295.